The following is an entry in ClinVar:

NM_005956.4(MTHFD1):c.1875G>A (p.Gln625=)

Gene: MTHFD1 (methylenetetrahydrofolate dehydrogenase, cyclohydrolase and formyltetrahydrofolate synthetase 1; plus strand). Cytogenetic location: 14q23.3.
Variant type: single nucleotide variant.
Coding change: c.1875G>A on transcript NM_005956.4 (MANE Select); coding-DNA position 1875, G replaced by A.
Protein change: p.Gln625=; no amino-acid change (glutamine 625 retained).
Molecular consequence: synonymous variant.
Genome position (GRCh38, 1-based): chr14:64,441,444, G>A. VCF-style: chr14-64441444-G-A. GRCh37 (hg19) VCF-style: chr14-64908162-G-A.
Other names: c.1875G>A, p.Gln625= (NM_001364837.1); c.1875G>A (NM_005956.3).
Identifiers: ClinVar variation 1919390 (VCV001919390.7), dbSNP rs967212763, ClinGen allele CA261847617.

ClinVar aggregate classification (germline): Likely benign. Review status: criteria provided, single submitter (1 of 4 stars). 2 submissions from 2 submitters: Likely benign (1). 1 of the submissions does not count toward it. Last evaluated 2025-03-22.

Conditions:
MTHFD1-related disorder. Also called: MTHFD1-related condition.

Allele frequency attached by ClinVar (database versions not stated): gnomAD exomes below 0.00001; TOPMed 0.00001.
gnomAD v4.1: 6 of 1,614,058 alleles (0.00037%); highest among the groups gnomAD compares: South Asian, 0.0011%; no homozygotes.

Submissions (2):

Labcorp Genetics (formerly Invitae), Labcorp
Classification: Likely benign. Last evaluated: 2025-03-22. Review status: criteria provided, single submitter. Criteria: Invitae Variant Classification Sherloc (09022015). Collection method: clinical testing. Allele origin: germline.

PreventionGenetics, part of Exact Sciences
Classification: Likely benign for MTHFD1-related condition. Last evaluated: 2021-05-19. Review status: no assertion criteria provided. Collection method: clinical testing. Allele origin: germline. Not counted in ClinVar's aggregate classification.
Comment: This variant is classified as likely benign based on ACMG/AMP sequence variant interpretation guidelines (Richards et al. 2015 PMID: 25741868, with internal and published modifications).